The following is an entry in ClinVar:

NM_025137.4(SPG11):c.2734C>G (p.Leu912Val)

Gene: SPG11 (SPG11 vesicle trafficking associated, spatacsin; minus strand). Cytogenetic location: 15q21.1.
Variant type: single nucleotide variant.
Coding change: c.2734C>G on transcript NM_025137.4 (MANE Select); coding-DNA position 2734, C replaced by G.
Protein change: p.Leu912Val; replaces leucine 912 with valine.
Molecular consequence: missense variant.
Genome position (GRCh38, 1-based): chr15:44,620,290, G>C on the plus strand (C>G on the coding strand, the complement: SPG11 is on the minus strand). VCF-style: chr15-44620290-G-C. GRCh37 (hg19) VCF-style: chr15-44912488-G-C.
Other names: c.2734C>G, p.Leu912Val (NM_001160227.2, NM_001411132.1); short protein forms L912V.
Identifiers: ClinVar variation 3571652 (VCV003571652.2).

ClinVar aggregate classification (germline): Uncertain significance. Review status: criteria provided, multiple submitters, no conflicts (2 of 4 stars). 2 submissions from 2 submitters: Uncertain significance (2). Last evaluated 2025-08-17.

Conditions:
Hereditary spastic paraplegia 11. Also called: Spastic paraplegia, mental retardation and thin corpus callosum; Spastic Paraplegia 11; SPASTIC PARAPLEGIA, AUTOSOMAL RECESSIVE, COMPLICATED, WITH THIN CORPUS CALLOSUM; SPASTIC PARAPLEGIA, AUTOSOMAL RECESSIVE, WITH MENTAL IMPAIRMENT AND THIN CORPUS CALLOSUM; Nakamura Osame syndrome; Autosomal recessive hereditary spastic paraplegia, mental impairment, and thin corpus callosum. Identifiers: Orphanet 2822, MedGen C1858479, MONDO:0011445, OMIM 604360.

gnomAD v4.1: 10 of 1,613,982 alleles (0.00062%); highest among the groups gnomAD compares: Non-Finnish European, 0.00085%; no homozygotes.

Submissions (2):

Labcorp Genetics (formerly Invitae), Labcorp
Classification: Uncertain significance for Hereditary spastic paraplegia 11. Last evaluated: 2025-08-17. Review status: criteria provided, single submitter. Criteria: Invitae Variant Classification Sherloc (09022015). Collection method: clinical testing. Allele origin: germline.
Comment: This sequence change replaces leucine, which is neutral and non-polar, with valine, which is neutral and non-polar, at codon 912 of the SPG11 protein (p.Leu912Val). This variant is not present in population databases (gnomAD no frequency). This variant has not been reported in the literature in individuals affected with SPG11-related conditions. ClinVar contains an entry for this variant (Variation ID: 3571652). Invitae Evidence Modeling of protein sequence and biophysical properties (such as structural, functional, and spatial information, amino acid conservation, physicochemical variation, residue mobility, and thermodynamic stability) indicates that this missense variant is not expected to disrupt SPG11 protein function with a negative predictive value of 80%. In summary, the available evidence is currently insufficient to determine the role of this variant in disease. Therefore, it has been classified as a Variant of Uncertain Significance.

Athena Diagnostics
Classification: Uncertain significance. Last evaluated: 2023-12-13. Review status: criteria provided, single submitter. Criteria: Athena Diagnostics Criteria. Collection method: clinical testing. Allele origin: unknown.
Comment: Available data are insufficient to determine the clinical significance of the variant at this time. This variant has not been reported in large, multi-ethnic general populations. Computational tools predict that this variant is not damaging.